The following is an entry in ClinVar:

ClinVar aggregate classification (germline): Uncertain significance (1 of 4 stars; one submission).

Allele frequency attached by ClinVar (database versions not stated): gnomAD exomes below 0.00001 and 0.00001; gnomAD 0.00001.
gnomAD v4.1: 3 of 1,532,596 alleles (0.0002%); highest among the groups gnomAD compares: African/African-American, 0.0042%; no homozygotes.

Submission:

Labcorp Genetics (formerly Invitae), Labcorp
Classification: Uncertain significance. Last evaluated: 2025-02-03. Review status: criteria provided, single submitter. Criteria: Invitae Variant Classification Sherloc (09022015). Collection method: clinical testing. Allele origin: germline.
Comment: This sequence change replaces glycine, which is neutral and non-polar, with glutamic acid, which is acidic and polar, at codon 462 of the CPLANE1 protein (p.Gly462Glu). The frequency data for this variant in the population databases is considered unreliable, as metrics indicate poor data quality at this position in the gnomAD database. This variant has not been reported in the literature in individuals affected with CPLANE1-related conditions. ClinVar contains an entry for this variant (Variation ID: 1525598). Invitae Evidence Modeling of protein sequence and biophysical properties (such as structural, functional, and spatial information, amino acid conservation, physicochemical variation, residue mobility, and thermodynamic stability) indicates that this missense variant is not expected to disrupt CPLANE1 protein function with a negative predictive value of 95%. In summary, the available evidence is currently insufficient to determine the role of this variant in disease. Therefore, it has been classified as a Variant of Uncertain Significance.

NM_001384732.1(CPLANE1):c.1385G>A (p.Gly462Glu)

Gene: CPLANE1 (ciliogenesis and planar polarity effector complex subunit 1; minus strand). Cytogenetic location: 5p13.2.
Variant type: single nucleotide variant.
Coding change: c.1385G>A on transcript NM_001384732.1 (MANE Select); coding-DNA position 1385, G replaced by A.
Protein change: p.Gly462Glu; replaces glycine 462 with glutamic acid.
Molecular consequence: missense variant.
Genome position (GRCh38, 1-based): chr5:37,227,379, C>T on the plus strand (G>A on the coding strand, the complement: CPLANE1 is on the minus strand). VCF-style: chr5-37227379-C-T. GRCh37 (hg19) VCF-style: chr5-37227481-C-T.
Other names: c.1385G>A, p.Gly462Glu (NM_023073.4); short protein forms G462E.
Identifiers: ClinVar variation 1525598 (VCV001525598.6), dbSNP rs1343122552, ClinGen allele CA359503623.